The following is an entry in ClinVar:

ClinVar aggregate classification (germline): Uncertain significance (1 of 4 stars; one submission).

gnomAD v4.1: 1 of 1,612,972 alleles (0.000062%); highest among the groups gnomAD compares: East Asian, 0.0022%; no homozygotes.

Submission:

Labcorp Genetics (formerly Invitae), Labcorp
Classification: Uncertain significance. Last evaluated: 2025-09-14. Review status: criteria provided, single submitter. Criteria: Invitae Variant Classification Sherloc (09022015). Collection method: clinical testing. Allele origin: germline.
Comment: This sequence change replaces aspartic acid, which is acidic and polar, with tyrosine, which is neutral and polar, at codon 2 of the IKZF1 protein (p.Asp2Tyr). This variant is not present in population databases (gnomAD no frequency). This variant has not been reported in the literature in individuals affected with IKZF1-related conditions. An algorithm developed to predict the effect of missense changes on protein structure and function (PolyPhen-2) suggests that this variant is likely to be disruptive. In summary, the available evidence is currently insufficient to determine the role of this variant in disease. Therefore, it has been classified as a Variant of Uncertain Significance.

NM_006060.6(IKZF1):c.4G>T (p.Asp2Tyr)

Gene: IKZF1 (IKAROS family zinc finger 1; plus strand). Cytogenetic location: 7p12.2.
Variant type: single nucleotide variant.
Coding change: c.4G>T on transcript NM_006060.6 (MANE Select); coding-DNA position 4, G replaced by T.
Protein change: p.Asp2Tyr; replaces aspartic acid 2 with tyrosine.
Molecular consequence: missense variant.
Genome position (GRCh38, 1-based): chr7:50,319,065, G>T. VCF-style: chr7-50319065-G-T. GRCh37 (hg19) VCF-style: chr7-50358661-G-T.
Other names: c.4G>T, p.Asp2Tyr (NM_001220765.3, NM_001220767.2, NM_001220768.2 and 14 more transcripts); short protein forms D2Y.
Identifiers: ClinVar variation 4726737 (VCV004726737.1).